The following is an entry in ClinVar:

ClinVar aggregate classification (germline): Uncertain significance. Review status: criteria provided, multiple submitters, no conflicts (2 of 4 stars). 2 submissions from 2 submitters: Uncertain significance (2). Last evaluated 2024-12-05.

Conditions:
MYO3A-related disorder. Also called: MYO3A-related condition.

Allele frequency attached by ClinVar (database versions not stated): TOPMed 0.00003; ESP Exome Variant Server 0.00008; gnomAD 0.00002.
gnomAD v4.1: 32 of 1,613,802 alleles (0.002%); highest among the groups gnomAD compares: East Asian, 0.029%; no homozygotes.

Submissions (2):

PreventionGenetics, part of Exact Sciences
Classification: Uncertain significance for MYO3A-related condition. Last evaluated: 2024-12-05. Review status: criteria provided, single submitter. Criteria: ACMG Guidelines, 2015. Collection method: clinical testing. Allele origin: germline.
Comment: The MYO3A c.2587G>A variant is predicted to result in the amino acid substitution p.Asp863Asn. To our knowledge, this variant has not been reported in the literature. This variant is reported in 0.040% of alleles in individuals of East Asian descent in gnomAD. At this time, the clinical significance of this variant is uncertain due to the absence of conclusive functional and genetic evidence.

Labcorp Genetics (formerly Invitae), Labcorp
Classification: Uncertain significance. Last evaluated: 2022-10-25. Review status: criteria provided, single submitter. Criteria: Invitae Variant Classification Sherloc (09022015). Collection method: clinical testing. Allele origin: germline.
Comment: This sequence change replaces aspartic acid, which is acidic and polar, with asparagine, which is neutral and polar, at codon 863 of the MYO3A protein (p.Asp863Asn). This variant is present in population databases (rs369426861, gnomAD 0.04%). This variant has not been reported in the literature in individuals affected with MYO3A-related conditions. Advanced modeling of protein sequence and biophysical properties (such as structural, functional, and spatial information, amino acid conservation, physicochemical variation, residue mobility, and thermodynamic stability) performed at Invitae indicates that this missense variant is not expected to disrupt MYO3A protein function. In summary, the available evidence is currently insufficient to determine the role of this variant in disease. Therefore, it has been classified as a Variant of Uncertain Significance.

NM_017433.5(MYO3A):c.2587G>A (p.Asp863Asn)

Gene: MYO3A (myosin IIIA; plus strand). Cytogenetic location: 10p12.1.
Variant type: single nucleotide variant.
Coding change: c.2587G>A on transcript NM_017433.5 (MANE Select); coding-DNA position 2587, G replaced by A.
Protein change: p.Asp863Asn; replaces aspartic acid 863 with asparagine.
Molecular consequence: missense variant.
Genome position (GRCh38, 1-based): chr10:26,147,511, G>A. VCF-style: chr10-26147511-G-A. GRCh37 (hg19) VCF-style: chr10-26436440-G-A.
Other names: c.2587G>A (NM_017433.4); short protein forms D863N.
Identifiers: ClinVar variation 1983828 (VCV001983828.5), dbSNP rs369426861, ClinGen allele CA5444998.